The following is an entry in ClinVar:

NM_007194.4(CHEK2):c.324T>A (p.Cys108Ter)

Gene: CHEK2 (checkpoint kinase 2; minus strand). Cytogenetic location: 22q12.1.
Variant type: single nucleotide variant.
Coding change: c.324T>A on transcript NM_007194.4 (MANE Select); coding-DNA position 324, T replaced by A.
Protein change: p.Cys108Ter; replaces cysteine 108 with a stop codon.
Molecular consequence: nonsense.
Genome position (GRCh38, 1-based): chr22:28,725,363, A>T on the plus strand (T>A on the coding strand, the complement: CHEK2 is on the minus strand). VCF-style: chr22-28725363-A-T. GRCh37 (hg19) VCF-style: chr22-29121351-A-T.
Other names: c.453T>A, p.Cys151Ter (NM_001005735.3); c.-454T>A (NM_001257387.3); c.324T>A, p.Cys108Ter (NM_001349956.3, NM_145862.3); short protein forms C108*, C151*.
Identifiers: ClinVar variation 2100813 (VCV002100813.4), dbSNP rs1385799739, ClinGen allele CA411108287.

ClinVar aggregate classification (germline): Pathogenic (1 of 4 stars; one submission).

Conditions:
Familial cancer of breast. Also called: Hereditary breast cancer; hereditary breast carcinoma; BREAST CANCER, FAMILIAL. Identifiers: Orphanet 227535, MedGen C0346153, MONDO:0016419, OMIM 114480. Disease mechanism: loss of function.

Submission:

Labcorp Genetics (formerly Invitae), Labcorp
Classification: Pathogenic for Familial cancer of breast. Last evaluated: 2022-02-21. Review status: criteria provided, single submitter. Criteria: Invitae Variant Classification Sherloc (09022015). Collection method: clinical testing. Allele origin: germline.
Comment: This sequence change creates a premature translational stop signal (p.Cys108*) in the CHEK2 gene. It is expected to result in an absent or disrupted protein product. Loss-of-function variants in CHEK2 are known to be pathogenic (PMID: 21876083, 24713400). This variant is not present in population databases (gnomAD no frequency). This variant has not been reported in the literature in individuals affected with CHEK2-related conditions. For these reasons, this variant has been classified as Pathogenic.

Literature cited by the submitters: PubMed 21876083; PubMed 24713400.